The following is an entry in ClinVar:

NM_019066.5(MAGEL2):c.2887G>A (p.Ala963Thr)

Gene: MAGEL2 (MAGE family member L2; minus strand). Cytogenetic location: 15q11.2.
Variant type: single nucleotide variant.
Coding change: c.2887G>A on transcript NM_019066.5 (MANE Select); coding-DNA position 2887, G replaced by A.
Protein change: p.Ala963Thr; replaces alanine 963 with threonine.
Molecular consequence: missense variant.
Genome position (GRCh38, 1-based): chr15:23,644,856, C>T on the plus strand (G>A on the coding strand, the complement: MAGEL2 is on the minus strand). VCF-style: chr15-23644856-C-T. GRCh37 (hg19) VCF-style: chr15-23890003-C-T.
Other names: short protein forms A963T.
Identifiers: ClinVar variation 2540793 (VCV002540793.7), dbSNP rs776392903, ClinGen allele CA7429793.

ClinVar aggregate classification (germline): Conflicting classifications of pathogenicity. Review status: criteria provided, conflicting classifications (1 of 4 stars). 4 submissions from 4 submitters: Uncertain significance (1); Likely benign (2). 1 of the submissions does not count toward it. Last evaluated 2025-05-10.

Conditions:
Inborn genetic diseases. Identifiers: MedGen C0950123, MeSH D030342.
MAGEL2-related disorder. Also called: MAGEL2-related condition.

Allele frequency attached by ClinVar (database versions not stated): gnomAD 0.00004; ExAC 0.00010.
gnomAD v4.1: 28 of 1,611,784 alleles (0.0017%); highest among the groups gnomAD compares: African/African-American, 0.0053%; no homozygotes.

Submissions (4):

Labcorp Genetics (formerly Invitae), Labcorp
Classification: Uncertain significance. Last evaluated: 2025-05-10. Review status: criteria provided, single submitter. Criteria: Invitae Variant Classification Sherloc (09022015). Collection method: clinical testing. Allele origin: germline.
Comment: This sequence change replaces alanine, which is neutral and non-polar, with threonine, which is neutral and polar, at codon 963 of the MAGEL2 protein (p.Ala963Thr). This variant is present in population databases (rs776392903, gnomAD 0.02%). This variant has not been reported in the literature in individuals affected with MAGEL2-related conditions. ClinVar contains an entry for this variant (Variation ID: 2540793). Invitae Evidence Modeling of protein sequence and biophysical properties (such as structural, functional, and spatial information, amino acid conservation, physicochemical variation, residue mobility, and thermodynamic stability) indicates that this missense variant is not expected to disrupt MAGEL2 protein function with a negative predictive value of 80%. In summary, the available evidence is currently insufficient to determine the role of this variant in disease. Therefore, it has been classified as a Variant of Uncertain Significance.

Ambry Genetics
Classification: Likely benign for Inborn genetic diseases. Last evaluated: 2023-04-26. Review status: criteria provided, single submitter. Criteria: Ambry Variant Classification Scheme 2023. Collection method: clinical testing. Allele origin: germline.

Blueprint Genetics
Classification: Likely benign. Last evaluated: 2020-01-29. Review status: criteria provided, single submitter. Criteria: ACMG Guidelines, 2015. Collection method: clinical testing. Allele origin: germline.

PreventionGenetics, part of Exact Sciences
Classification: Uncertain significance for MAGEL2-related condition. Last evaluated: 2024-09-27. Review status: no assertion criteria provided. Collection method: clinical testing. Allele origin: germline. Not counted in ClinVar's aggregate classification.
Comment: The MAGEL2 c.2887G>A variant is predicted to result in the amino acid substitution p.Ala963Thr. To our knowledge, this variant has not been reported in the literature. This variant is reported in 0.015% of alleles in individuals of East Asian descent in gnomAD. At this time, the clinical significance of this variant is uncertain due to the absence of conclusive functional and genetic evidence.